The following is an entry in ClinVar:

ClinVar aggregate classification (germline): Conflicting classifications of pathogenicity. Review status: criteria provided, conflicting classifications (1 of 4 stars). 4 submissions from 4 submitters: Uncertain significance (1); Likely benign (3). Last evaluated 2026-02-01.

Conditions:
PLEC-related disorder. Also called: PLEC-related condition; PLEC-related disorders.
Epidermolysis bullosa simplex 5C, with pyloric atresia (EBS5C). Also called: PLEC-Related Epidermolysis Bullosa with Pyloric Atresia; Epidermolysis bullosa simplex with pyloric atresia; PLEC1-Related Epidermolysis Bullosa with Pyloric Atresia. Identifiers: Orphanet 158684, MedGen C2677349, MONDO:0012807, OMIM 612138.
Epidermolysis bullosa simplex with nail dystrophy (EBS5D). Identifiers: MedGen C4225309, MONDO:0014661, OMIM 616487.
Autosomal recessive limb-girdle muscular dystrophy type 2Q (LGMDR17). Also called: MUSCULAR DYSTROPHY, LIMB-GIRDLE, AUTOSOMAL RECESSIVE 17. Identifiers: Orphanet 254361, MedGen C3150989, MONDO:0013390, OMIM 613723.
Epidermolysis bullosa simplex, Ogna type (EBS5A). Also called: Pidermolysis bullosa simplex 5A, Ogna type; EPIDERMOLYSIS BULLOSA SIMPLEX 5A, OGNA TYPE. Identifiers: Orphanet 79401, MedGen C0432317, MONDO:0007555, OMIM 131950.
Epidermolysis bullosa simplex 5B, with muscular dystrophy (EBS5B). Also called: EPIDERMOLYSIS BULLOSA SIMPLEX AND LIMB-GIRDLE MUSCULAR DYSTROPHY; Epidermolysis bullosa simplex with muscular dystrophy. Identifiers: Orphanet 257, MedGen C2931072, MONDO:0009181, OMIM 226670.

Allele frequency attached by ClinVar (database versions not stated): gnomAD 0.00029 and 0.00032; 1000 Genomes Project 30x 0.00031; TOPMed 0.00033; 1000 Genomes Project 0.00040; gnomAD exomes 0.00011 and 0.00012; ESP Exome Variant Server 0.00015; ExAC 0.00018.
gnomAD v4.1: 219 of 1,613,290 alleles (0.014%); highest among the groups gnomAD compares: East Asian, 0.24%; 1 homozygote.

Submissions (4):

Labcorp Genetics (formerly Invitae), Labcorp
Classification: Likely benign for Autosomal recessive limb-girdle muscular dystrophy type 2Q; Epidermolysis bullosa simplex, Ogna type; Epidermolysis bullosa simplex with nail dystrophy; Epidermolysis bullosa simplex 5C, with pyloric atresia; Epidermolysis bullosa simplex 5B, with muscular dystrophy. Last evaluated: 2026-02-01. Review status: criteria provided, single submitter. Criteria: Invitae Variant Classification Sherloc (09022015). Collection method: clinical testing. Allele origin: germline.

PreventionGenetics, part of Exact Sciences
Classification: Likely benign for PLEC-related condition. Last evaluated: 2025-01-19. Review status: criteria provided, single submitter. Criteria: ACMG Guidelines, 2015. Collection method: clinical testing. Allele origin: germline.
Comment: This variant is classified as likely benign based on ACMG/AMP sequence variant interpretation guidelines (Richards et al. 2015 PMID: 25741868, with internal and published modifications).

Blueprint Genetics
Classification: Likely benign. Last evaluated: 2024-11-08. Review status: criteria provided, single submitter. Criteria: ACMG Guidelines, 2015. Collection method: clinical testing. Allele origin: germline.

Eurofins Ntd Llc (ga)
Classification: Uncertain significance. Last evaluated: 2015-09-25. Review status: criteria provided, single submitter. Criteria: EGL Classification Definitions 2015. Collection method: clinical testing. Allele origin: germline. Observed: 1 variant allele, 1 heterozygote.

NM_201384.3(PLEC):c.9828G>A (p.Thr3276=)

Gene: PLEC (plectin; minus strand). Cytogenetic location: 8q24.3.
Variant type: single nucleotide variant.
Coding change: c.9828G>A on transcript NM_201384.3 (MANE Select); coding-DNA position 9828, G replaced by A.
Protein change: p.Thr3276=; no amino-acid change (threonine 3276 retained).
Molecular consequence: synonymous variant.
Genome position (GRCh38, 1-based): chr8:143,919,993, C>T on the plus strand (G>A on the coding strand, the complement: PLEC is on the minus strand). VCF-style: chr8-143919993-C-T. GRCh37 (hg19) VCF-style: chr8-144994161-C-T.
Other names: c.9909G>A, p.Thr3303= (NM_000445.5); c.9786G>A, p.Thr3262= (NM_201378.4); c.9762G>A, p.Thr3254= (NM_201379.3); c.10239G>A, p.Thr3413= (NM_201380.4); c.9732G>A, p.Thr3244= (NM_201381.3); c.9828G>A, p.Thr3276= (NM_201382.4); c.9840G>A, p.Thr3280= (NM_201383.3); c.9909G>A (NM_000445.4).
Identifiers: ClinVar variation 283657 (VCV000283657.15), dbSNP rs201736785, ClinGen allele CA4924840.